The following is an entry in ClinVar:

ClinVar aggregate classification (germline): Uncertain significance (1 of 4 stars; one submission).

Conditions:
Mendelian susceptibility to mycobacterial diseases due to complete IL12RB1 deficiency. Also called: IL12RB1 DEFICIENCY; Immunodeficiency 30. Identifiers: Orphanet 319552, MedGen C4013949, MONDO:0013955, OMIM 614891.

Allele frequency attached by ClinVar (database versions not stated): ExAC 0.00002; TOPMed 0.00003; gnomAD 0.00003 and 0.00002; gnomAD exomes 0.00002; ESP Exome Variant Server 0.00008.
gnomAD v4.1: 38 of 1,613,178 alleles (0.0024%); highest among the groups gnomAD compares: African/African-American, 0.0053%; no homozygotes.

Submission:

Labcorp Genetics (formerly Invitae), Labcorp
Classification: Uncertain significance for Mendelian susceptibility to mycobacterial diseases due to complete IL12RB1 deficiency. Last evaluated: 2022-10-13. Review status: criteria provided, single submitter. Criteria: Invitae Variant Classification Sherloc (09022015). Collection method: clinical testing. Allele origin: germline.
Comment: This sequence change replaces alanine, which is neutral and non-polar, with threonine, which is neutral and polar, at codon 90 of the IL12RB1 protein (p.Ala90Thr). This variant is present in population databases (rs144128347, gnomAD 0.004%). This variant has not been reported in the literature in individuals affected with IL12RB1-related conditions. ClinVar contains an entry for this variant (Variation ID: 939959). Advanced modeling of protein sequence and biophysical properties (such as structural, functional, and spatial information, amino acid conservation, physicochemical variation, residue mobility, and thermodynamic stability) performed at Invitae indicates that this missense variant is not expected to disrupt IL12RB1 protein function. In summary, the available evidence is currently insufficient to determine the role of this variant in disease. Therefore, it has been classified as a Variant of Uncertain Significance.

NM_005535.3(IL12RB1):c.268G>A (p.Ala90Thr)

Gene: IL12RB1 (interleukin 12 receptor subunit beta 1; minus strand). Cytogenetic location: 19p13.11.
Variant type: single nucleotide variant.
Coding change: c.268G>A on transcript NM_005535.3 (MANE Select); coding-DNA position 268, G replaced by A.
Protein change: p.Ala90Thr; replaces alanine 90 with threonine.
Molecular consequence: missense variant.
Genome position (GRCh38, 1-based): chr19:18,080,973, C>T on the plus strand (G>A on the coding strand, the complement: IL12RB1 is on the minus strand). VCF-style: chr19-18080973-C-T. GRCh37 (hg19) VCF-style: chr19-18191783-C-T.
Other names: c.268G>A, p.Ala90Thr (NM_001290023.2, NM_153701.3); c.388G>A, p.Ala130Thr (NM_001290024.2); short protein forms A90T, A130T.
Identifiers: ClinVar variation 939959 (VCV000939959.7), dbSNP rs144128347, ClinGen allele CA9305270.